The following is an entry in ClinVar:

ClinVar aggregate classification (germline): Uncertain significance (1 of 4 stars; one submission).

Conditions:
Developmental and epileptic encephalopathy, 36 (DEE36). Also called: ALG13-CDG; Congenital disorder of glycosylation, type Is; Epileptic encephalopathy, early infantile, 36. Identifiers: Orphanet 324422, MedGen C4317295, MONDO:0010472, OMIM 300884.

Submission:

Labcorp Genetics (formerly Invitae), Labcorp
Classification: Uncertain significance for Developmental and epileptic encephalopathy, 36. Last evaluated: 2024-12-10. Review status: criteria provided, single submitter. Criteria: Invitae Variant Classification Sherloc (09022015). Collection method: clinical testing. Allele origin: germline.
Comment: This sequence change replaces lysine, which is basic and polar, with asparagine, which is neutral and polar, at codon 286 of the ALG13 protein (p.Lys286Asn). This variant is not present in population databases (gnomAD no frequency). This variant has not been reported in the literature in individuals affected with ALG13-related conditions. ClinVar contains an entry for this variant (Variation ID: 958898). Invitae Evidence Modeling of protein sequence and biophysical properties (such as structural, functional, and spatial information, amino acid conservation, physicochemical variation, residue mobility, and thermodynamic stability) has been performed for this missense variant. However, the output from this modeling did not meet the statistical confidence thresholds required to predict the impact of this variant on ALG13 protein function. In summary, the available evidence is currently insufficient to determine the role of this variant in disease. Therefore, it has been classified as a Variant of Uncertain Significance.

NM_001099922.3(ALG13):c.858A>C (p.Lys286Asn)

Gene: ALG13 (ALG13 UDP-N-acetylglucosaminyltransferase subunit; plus strand). Cytogenetic location: Xq23.
Variant type: single nucleotide variant.
Coding change: c.858A>C on transcript NM_001099922.3 (MANE Select); coding-DNA position 858, A replaced by C.
Protein change: p.Lys286Asn; replaces lysine 286 with asparagine.
Molecular consequence: missense variant.
Genome position (GRCh38, 1-based): chrX:111,711,698, A>C. VCF-style: chrX-111711698-A-C. GRCh37 (hg19) VCF-style: chrX-110954926-A-C.
Other names: c.546A>C, p.Lys182Asn (NM_001257230.2, NM_001257234.2, NM_001257237.2 and 1 more transcripts); c.624A>C, p.Lys208Asn (NM_001257231.2); c.858A>C, p.Lys286Asn (NM_001324292.2); short protein forms K208N, K182N, K286N.
Identifiers: ClinVar variation 958898 (VCV000958898.10), dbSNP rs1939806996, ClinGen allele CA414250272.